The following is an entry in ClinVar:

NM_144997.7(FLCN):c.712G>T (p.Ala238Ser)

Gene: FLCN (folliculin; minus strand). Cytogenetic location: 17p11.2.
Variant type: single nucleotide variant.
Coding change: c.712G>T on transcript NM_144997.7 (MANE Select); coding-DNA position 712, G replaced by T.
Protein change: p.Ala238Ser; replaces alanine 238 with serine.
Molecular consequence: missense variant.
Genome position (GRCh38, 1-based): chr17:17,222,568, C>A on the plus strand (G>T on the coding strand, the complement: FLCN is on the minus strand). VCF-style: chr17-17222568-C-A. GRCh37 (hg19) VCF-style: chr17-17125882-C-A.
Other names: c.766G>T, p.Ala256Ser (NM_001353229.2); c.712G>T, p.Ala238Ser (NM_001353230.2, NM_001353231.2, NM_144606.7); short protein forms A238S, A256S.
Identifiers: ClinVar variation 2699663 (VCV002699663.3), dbSNP rs964077477, ClinGen allele CA288315546.
Genomic context (GRCh38, chr17:17,222,568, plus strand): 5'-AGGAGGTGTGCAGGCACGCCCACAGGTTGTCATCACTTGTCAGCGATGTCAGCGAGCGGG[C>A]GGCGTTGCCGTTCCTCTGGTGTAGGAATGGCGTGAAGGCTGTGTTCATCCTCTGAGCACG-3'
Protein context (NP_659434.2, residues 228-248): PFLHQRNGNA[Ala238Ser]RSLTSLTSDD

ClinVar aggregate classification (germline): Uncertain significance (1 of 4 stars; one submission).

Conditions:
Birt-Hogg-Dube syndrome. Also called: Birt Hogg Dubé syndrome. Identifiers: Orphanet 122, MedGen C0346010, MONDO:0800444.

Submission:

Labcorp Genetics (formerly Invitae), Labcorp
Classification: Uncertain significance for Birt-Hogg-Dube syndrome. Last evaluated: 2023-11-29. Review status: criteria provided, single submitter. Criteria: Invitae Variant Classification Sherloc (09022015). Collection method: clinical testing. Allele origin: germline.
Comment: This sequence change replaces alanine, which is neutral and non-polar, with serine, which is neutral and polar, at codon 238 of the FLCN protein (p.Ala238Ser). This variant is not present in population databases (gnomAD no frequency). This variant has not been reported in the literature in individuals affected with FLCN-related conditions. Advanced modeling of protein sequence and biophysical properties (such as structural, functional, and spatial information, amino acid conservation, physicochemical variation, residue mobility, and thermodynamic stability) performed at Invitae indicates that this missense variant is not expected to disrupt FLCN protein function with a negative predictive value of 80%. In summary, the available evidence is currently insufficient to determine the role of this variant in disease. Therefore, it has been classified as a Variant of Uncertain Significance.